The following is an entry in ClinVar:

ClinVar aggregate classification (germline): Conflicting classifications of pathogenicity. Review status: criteria provided, conflicting classifications (1 of 4 stars). 2 submissions from 2 submitters: Uncertain significance (1); Benign (1). Last evaluated 2019-07-12.

Conditions:
MELAS syndrome (MELAS). Also called: Juvenile myopathy, encephalopathy, lactic acidosis, stroke. Identifiers: Orphanet 550, MedGen C0162671, MONDO:0010789, OMIM 540000.

Submissions (2):

Wong Mito Lab, Molecular and Human Genetics, Baylor College of Medicine
Classification: Benign for MELAS syndrome. Last evaluated: 2019-07-12. Review status: criteria provided, single submitter. Criteria: Modified ACMG Guidelines (Unpublished). Collection method: clinical testing. Allele origin: germline.
Comment: The NC_012920.1:m.4317delA variant in MT-TI gene is interpreted to be a Benign variant based on the modified ACMG guidelines (unpublished). This variant meets the following evidence codes reported in the guidelines: BS1, BS4, BP4, BP5

Stanford Center for Inherited Cardiovascular Disease, Stanford University
Classification: Uncertain significance. Last evaluated: 2012-03-05. Review status: criteria provided, single submitter. Criteria: ACMG Guidelines, 2015. Collection method: provider interpretation. Allele origin: germline.

Literature cited by the submitters: PubMed 31965079 (cited by Wong Mito Lab, Molecular and Human Genetics, Baylor College of Medicine); PubMed 9466989 (cited by Wong Mito Lab, Molecular and Human Genetics, Baylor College of Medicine).

NC_012920.1(MT-TI):m.4317del

Gene: MT-TI (mitochondrially encoded tRNA isoleucine; plus strand).
Variant type: Deletion.
Genome position: chrM-4314-TA-T.
Identifiers: ClinVar variation 235015 (VCV000235015.4), dbSNP rs876661361, ClinGen allele CA10581203.
Genomic context (GRCh38, chrMT:4,314, plus strand): 5'-TCAAACCTAAGAAATATGTCTGATAAAAGAGTTACTTTGATAGAGTAAATAATAGGAGCT[TA>T]AACCCCCTTATTTCTAGGACTATGAGAATCGAACCCATCCCTGAGAATCCAAAATTCTCC-3'